The following is an entry in ClinVar:

ClinVar aggregate classification (germline): Uncertain significance (1 of 4 stars; one submission).

Conditions:
Inborn genetic diseases. Identifiers: MedGen C0950123, MeSH D030342.

Submission:

Ambry Genetics
Classification: Uncertain significance for Inborn genetic diseases. Last evaluated: 2025-06-12. Review status: criteria provided, single submitter. Criteria: Ambry Variant Classification Scheme 2023. Collection method: clinical testing. Allele origin: germline.
Comment: The p.S466G variant (also known as c.1396A>G), located in coding exon 15 of the FANCA gene, results from an A to G substitution at nucleotide position 1396. The serine at codon 466 is replaced by glycine, an amino acid with similar properties. This amino acid position is conserved. In addition, the in silico prediction for this alteration is inconclusive. Based on the available evidence, the clinical significance of this variant remains unclear.

NM_000135.4(FANCA):c.1396A>G (p.Ser466Gly)

Gene: FANCA (FA complementation group A; minus strand). Cytogenetic location: 16q24.3.
Variant type: single nucleotide variant.
Coding change: c.1396A>G on transcript NM_000135.4 (MANE Select); coding-DNA position 1396, A replaced by G.
Protein change: p.Ser466Gly; replaces serine 466 with glycine.
Molecular consequence: missense variant.
Genome position (GRCh38, 1-based): chr16:89,784,928, T>C on the plus strand (A>G on the coding strand, the complement: FANCA is on the minus strand). VCF-style: chr16-89784928-T-C. GRCh37 (hg19) VCF-style: chr16-89851336-T-C.
Other names: c.1396A>G, p.Ser466Gly (NM_001286167.3); short protein forms S466G.
Identifiers: ClinVar variation 4022371 (VCV004022371.1).